The following is an entry in ClinVar:

NM_004706.4(ARHGEF1):c.1496G>A (p.Arg499Gln)

Gene: ARHGEF1 (Rho guanine nucleotide exchange factor 1; plus strand). Cytogenetic location: 19q13.2.
Variant type: single nucleotide variant.
Coding change: c.1496G>A on transcript NM_004706.4 (MANE Select); coding-DNA position 1496, G replaced by A.
Protein change: p.Arg499Gln; replaces arginine 499 with glutamine.
Molecular consequence: missense variant.
Genome position (GRCh38, 1-based): chr19:41,902,355, G>A. VCF-style: chr19-41902355-G-A. GRCh37 (hg19) VCF-style: chr19-42406505-G-A.
Other names: c.1397G>A, p.Arg466Gln (NM_198977.2); c.1541G>A, p.Arg514Gln (NM_199002.2); short protein forms R499Q, R514Q, R466Q.
Identifiers: ClinVar variation 1461690 (VCV001461690.6), dbSNP rs375242613, ClinGen allele CA308591522.

ClinVar aggregate classification (germline): Uncertain significance (1 of 4 stars; one submission).

Allele frequency attached by ClinVar (database versions not stated): ESP Exome Variant Server 0.00008; gnomAD exomes 0.00001; TOPMed 0.00003; gnomAD 0.00004.
gnomAD v4.1: 18 of 1,613,928 alleles (0.0011%); highest among the groups gnomAD compares: African/African-American, 0.012%; no homozygotes.

Submission:

Labcorp Genetics (formerly Invitae), Labcorp
Classification: Uncertain significance. Last evaluated: 2025-05-02. Review status: criteria provided, single submitter. Criteria: Invitae Variant Classification Sherloc (09022015). Collection method: clinical testing. Allele origin: germline.
Comment: This sequence change replaces arginine, which is basic and polar, with glutamine, which is neutral and polar, at codon 514 of the ARHGEF1 protein (p.Arg514Gln). This variant is not present in population databases (gnomAD no frequency). This variant has not been reported in the literature in individuals affected with ARHGEF1-related conditions. ClinVar contains an entry for this variant (Variation ID: 1461690). An algorithm developed to predict the effect of missense changes on protein structure and function outputs the following: PolyPhen-2: "Benign". The glutamine amino acid residue is found in multiple mammalian species, which suggests that this missense change does not adversely affect protein function. In summary, the available evidence is currently insufficient to determine the role of this variant in disease. Therefore, it has been classified as a Variant of Uncertain Significance.